The following is an entry in ClinVar:

ClinVar aggregate classification (germline): Uncertain significance (1 of 4 stars; one submission).

Allele frequency attached by ClinVar (database versions not stated): gnomAD exomes 0.00001.

Submission:

Labcorp Genetics (formerly Invitae), Labcorp
Classification: Uncertain significance. Last evaluated: 2022-02-20. Review status: criteria provided, single submitter. Criteria: Invitae Variant Classification Sherloc (09022015). Collection method: clinical testing. Allele origin: germline.
Comment: In summary, the available evidence is currently insufficient to determine the role of this variant in disease. Therefore, it has been classified as a Variant of Uncertain Significance. Algorithms developed to predict the effect of missense changes on protein structure and function (SIFT, PolyPhen-2, Align-GVGD) all suggest that this variant is likely to be disruptive. This variant has not been reported in the literature in individuals affected with IMPG2-related conditions. This variant is present in population databases (no rsID available, gnomAD 0.01%). This sequence change replaces tyrosine, which is neutral and polar, with cysteine, which is neutral and slightly polar, at codon 107 of the IMPG2 protein (p.Tyr107Cys).

NM_016247.4(IMPG2):c.320A>G (p.Tyr107Cys)

Gene: IMPG2 (interphotoreceptor matrix proteoglycan 2; minus strand). Cytogenetic location: 3q12.3.
Variant type: single nucleotide variant.
Coding change: c.320A>G on transcript NM_016247.4 (MANE Select); coding-DNA position 320, A replaced by G.
Protein change: p.Tyr107Cys; replaces tyrosine 107 with cysteine.
Molecular consequence: missense variant.
Genome position (GRCh38, 1-based): chr3:101,319,598, T>C on the plus strand (A>G on the coding strand, the complement: IMPG2 is on the minus strand). VCF-style: chr3-101319598-T-C. GRCh37 (hg19) VCF-style: chr3-101038442-T-C.
Other names: short protein forms Y107C.
Identifiers: ClinVar variation 2099404 (VCV002099404.4), dbSNP rs1330523580, ClinGen allele CA353857364.